The following is an entry in ClinVar:

ClinVar aggregate classification (germline): Uncertain significance (1 of 4 stars; one submission).

Conditions:
Holoprosencephaly 9 (HPE9). Also called: HOLOPROSENCEPHALY WITH MICROPHTHALMIA AND FIRST BRANCHIAL ARCH ANOMALIES; PITUITARY ANOMALIES WITH HOLOPROSENCEPHALY-LIKE FEATURES. Identifiers: Orphanet 2162, MedGen C1835819, MONDO:0012563, OMIM 610829.
Postaxial polydactyly-anterior pituitary anomalies-facial dysmorphism syndrome. Also called: Culler-Jones syndrome. Identifiers: Orphanet 420584, MedGen C4014479, MONDO:0014369, OMIM 615849.

gnomAD v4.1: 6 of 1,612,906 alleles (0.00037%); highest among the groups gnomAD compares: African/African-American, 0.0053%; no homozygotes.

Submission:

Labcorp Genetics (formerly Invitae), Labcorp
Classification: Uncertain significance for Postaxial polydactyly-anterior pituitary anomalies-facial dysmorphism syndrome; Holoprosencephaly 9. Last evaluated: 2024-05-14. Review status: criteria provided, single submitter. Criteria: Invitae Variant Classification Sherloc (09022015). Collection method: clinical testing. Allele origin: germline.
Comment: This sequence change replaces serine, which is neutral and polar, with asparagine, which is neutral and polar, at codon 1159 of the GLI2 protein (p.Ser1159Asn). This variant is present in population databases (rs768627802, gnomAD 0.01%). This variant has not been reported in the literature in individuals affected with GLI2-related conditions. Advanced modeling of protein sequence and biophysical properties (such as structural, functional, and spatial information, amino acid conservation, physicochemical variation, residue mobility, and thermodynamic stability) performed at Invitae indicates that this missense variant is not expected to disrupt GLI2 protein function with a negative predictive value of 80%. In summary, the available evidence is currently insufficient to determine the role of this variant in disease. Therefore, it has been classified as a Variant of Uncertain Significance.

NM_001374353.1(GLI2):c.3425G>A (p.Ser1142Asn)

Gene: GLI2 (GLI family zinc finger 2; plus strand). Cytogenetic location: 2q14.2.
Variant type: single nucleotide variant.
Coding change: c.3425G>A on transcript NM_001374353.1 (MANE Select); coding-DNA position 3425, G replaced by A.
Protein change: p.Ser1142Asn; replaces serine 1142 with asparagine.
Molecular consequence: missense variant.
Genome position (GRCh38, 1-based): chr2:120,989,390, G>A. VCF-style: chr2-120989390-G-A. GRCh37 (hg19) VCF-style: chr2-121746966-G-A.
Other names: c.3476G>A, p.Ser1159Asn (NM_001371271.1, NM_005270.5); c.3050G>A, p.Ser1017Asn (NM_001374354.1); short protein forms S1017N, S1142N, S1159N.
Identifiers: ClinVar variation 3749132 (VCV003749132.2).
Genomic context (GRCh38, chr2:120,989,390, plus strand): 5'-AAAATAACATGCCTGTGCAGTGGAATGAGGTGAGCTCCGGCACCGTAGACGCCCTGGCCA[G>A]CCAGGTGAAGCCTCCACCCTTTCCTCAGGGCAACCTGGCGGTGGTGCAGCAGAAGCCTGC-3'
Protein context (NP_001361282.1, residues 1132-1152): VSSGTVDALA[Ser1142Asn]QVKPPPFPQG